The following is an entry in ClinVar:

ClinVar aggregate classification (germline): Conflicting classifications of pathogenicity. Review status: criteria provided, conflicting classifications (1 of 4 stars). 9 submissions from 9 submitters: Uncertain significance (6); Likely benign (2). 1 of the submissions does not count toward it. Last evaluated 2025-11-17.

Conditions:
Hereditary cancer-predisposing syndrome. Also called: Tumor predisposition; Neoplastic Syndromes, Hereditary; Hereditary Cancer Syndrome; Hereditary neoplastic syndrome. Identifiers: Orphanet 140162, MedGen C0027672, MeSH D009386, MONDO:0015356.
BRCA1-related cancer predisposition. Identifiers: MedGen CN377757, MONDO:0700268.
Hereditary breast ovarian cancer syndrome. Also called: Hereditary breast and ovarian cancer; Hereditary breast and ovarian cancer syndrome; Breast and ovarian cancer; Hereditary breast and/or ovarian cancer syndrome; BRCA1- and BRCA2-Associated Hereditary Breast and Ovarian Cancer; Hereditary breast and ovarian cancer syndrome (HBOC). Identifiers: Orphanet 145, MedGen C0677776, MeSH D061325, MONDO:0003582. Disease mechanism: loss of function.

Submissions (9):

Labcorp Genetics (formerly Invitae), Labcorp
Classification: Uncertain significance for Hereditary breast ovarian cancer syndrome. Last evaluated: 2025-11-17. Review status: criteria provided, single submitter. Criteria: Invitae Variant Classification Sherloc (09022015). Collection method: clinical testing. Allele origin: germline.
Comment: This sequence change replaces leucine, which is neutral and non-polar, with phenylalanine, which is neutral and non-polar, at codon 785 of the BRCA1 protein (p.Leu785Phe). This variant is not present in population databases (gnomAD no frequency). This variant has not been reported in the literature in individuals affected with BRCA1-related conditions. ClinVar contains an entry for this variant (Variation ID: 629066). Invitae Evidence Modeling of protein sequence and biophysical properties (such as structural, functional, and spatial information, amino acid conservation, physicochemical variation, residue mobility, and thermodynamic stability) indicates that this missense variant is expected to disrupt BRCA1 protein function with a positive predictive value of 80%. In summary, the available evidence is currently insufficient to determine the role of this variant in disease. Therefore, it has been classified as a Variant of Uncertain Significance.

Ambry Genetics
Classification: Uncertain significance for Hereditary cancer-predisposing syndrome. Last evaluated: 2025-04-01. Review status: criteria provided, single submitter. Criteria: Ambry Variant Classification Scheme 2023. Collection method: clinical testing. Allele origin: germline.
Comment: The p.L785F variant (also known as c.2355A>C), located in coding exon 9 of the BRCA1 gene, results from an A to C substitution at nucleotide position 2355. The leucine at codon 785 is replaced by phenylalanine, an amino acid with highly similar properties. This amino acid position is well conserved in available vertebrate species. In addition, the in silico prediction for this alteration is inconclusive. Since supporting evidence is limited at this time, the clinical significance of this alteration remains unclear.

Center for Genomic Medicine, Rigshospitalet, Copenhagen University Hospital
Classification: Likely benign. Last evaluated: 2025-03-04. Review status: criteria provided, single submitter. Criteria: ACMG Guidelines, 2015. Collection method: clinical testing. Allele origin: germline.

All of Us Research Program, National Institutes of Health
Classification: Uncertain significance for BRCA1-related cancer predisposition. Last evaluated: 2024-08-13. Review status: criteria provided, single submitter. Criteria: ACMG Guidelines, 2015. Collection method: clinical testing. Allele origin: germline. Inheritance: Autosomal dominant inheritance. Observed: 1 variant allele, 1 heterozygote.
Comment: This missense variant replaces leucine with phenylalanine at codon 785 of the BRCA1 protein. Computational prediction is inconclusive regarding the impact of this variant on protein structure and function. To our knowledge, functional studies have not been reported for this variant. This variant has not been reported in individuals affected with BRCA1-related disorders in the literature. This variant has not been identified in the general population by the Genome Aggregation Database (gnomAD). The available evidence is insufficient to determine the role of this variant in disease conclusively. Therefore, this variant is classified as a Variant of Uncertain Significance.

This study involves interpretation of variants in research participants for the purpose of population health screening. Participant phenotype was not available at the time of variant classification. Additional details can be found in publication PMID: 35346344, PMCID: PMC8962531

Color Diagnostics, LLC DBA Color Health
Classification: Uncertain significance for Hereditary cancer-predisposing syndrome. Last evaluated: 2024-08-02. Review status: criteria provided, single submitter. Criteria: ACMG Guidelines, 2015. Collection method: clinical testing. Allele origin: germline.
Comment: This missense variant replaces leucine with phenylalanine at codon 785 of the BRCA1 protein. Computational prediction is inconclusive regarding the impact of this variant on protein structure and function. To our knowledge, functional studies have not been reported for this variant. This variant has not been reported in individuals affected with BRCA1-related disorders in the literature. This variant has not been identified in the general population by the Genome Aggregation Database (gnomAD). The available evidence is insufficient to determine the role of this variant in disease conclusively. Therefore, this variant is classified as a Variant of Uncertain Significance.

University of Washington Department of Laboratory Medicine, University of Washington
Classification: Likely benign for Hereditary cancer-predisposing syndrome. Last evaluated: 2023-03-23. Review status: criteria provided, single submitter. Criteria: Dines et al. (Genet Med. 2020). Collection method: curation. Allele origin: germline.
Comment: Missense variant in a coldspot region where missense variants are very unlikely to be pathogenic (PMID:31911673).

BRCA1 coldspot (exon 11 using historical exon numbering). Reclassification based on statistical prior probability

Women's Health and Genetics/Laboratory Corporation of America, LabCorp
Classification: Uncertain significance. Last evaluated: 2021-01-29. Review status: criteria provided, single submitter. Criteria: LabCorp Variant Classification Summary - May 2015. Collection method: clinical testing. Allele origin: germline.
Comment: Variant summary: BRCA1 c.2355A>C (p.Leu785Phe) results in a non-conservative amino acid change in the encoded protein sequence. Four of five in-silico tools predict a damaging effect of the variant on protein function. The variant was absent in 250624 control chromosomes. The available data on variant occurrences in the general population are insufficient to allow any conclusion about variant significance. To our knowledge, no occurrence of c.2355A>C in individuals affected with Hereditary Breast And Ovarian Cancer Syndrome and no experimental evidence demonstrating its impact on protein function have been reported. Three clinical diagnostic laboratories have submitted clinical-significance assessments for this variant to ClinVar after 2014 without evidence for independent evaluation and cited the variant as uncertain significance. Based on the evidence outlined above, the variant was classified as uncertain significance.

Blueprint Genetics
Classification: Uncertain significance. Last evaluated: 2019-08-20. Review status: criteria provided, single submitter. Criteria: ACMG Guidelines, 2015. Collection method: clinical testing. Allele origin: germline.

Clinical Genetics Laboratory, Skane University Hospital Lund
Classification: Uncertain significance for Hereditary cancer-predisposing syndrome. Last evaluated: 2026-01-30. Review status: no assertion criteria provided. Collection method: clinical testing. Allele origin: germline. Affected: yes. Not counted in ClinVar's aggregate classification.
Comment: Assessed according to the ClinGen ENIGMA BRCA1 and BRCA2 Expert Panel Specifications to the ACMG/AMP Variant Interpretation Guidelines for BRCA1 Version 1.2.0. Applied criteria: PM2_supporting, BP1_strong.

NM_007294.4(BRCA1):c.2355A>C (p.Leu785Phe)

Gene: BRCA1 (BRCA1 DNA repair associated; minus strand). Cytogenetic location: 17q21.31.
Variant type: single nucleotide variant.
Coding change: c.2355A>C on transcript NM_007294.4 (MANE Select); coding-DNA position 2355, A replaced by C.
Protein change: p.Leu785Phe; replaces leucine 785 with phenylalanine.
Molecular consequence: missense variant. On other transcripts: intron variant (137).
Genome position (GRCh38, 1-based): chr17:43,093,176, T>G on the plus strand (A>C on the coding strand, the complement: BRCA1 is on the minus strand). VCF-style: chr17-43093176-T-G. GRCh37 (hg19) VCF-style: chr17-41245193-T-G.
Other names: c.2142A>C, p.Leu714Phe (NM_001407571.1, NM_001407853.1, NM_001407894.1 and 9 more transcripts); c.2355A>C, p.Leu785Phe (NM_001407581.1, NM_001407582.1, NM_001407583.1 and 30 more transcripts); c.2352A>C, p.Leu784Phe (NM_001407587.1, NM_001407590.1, NM_001407591.1 and 22 more transcripts); c.2346A>C, p.Leu782Phe (NM_001407646.1, NM_001407647.1); c.2232A>C, p.Leu744Phe (NM_001407648.1, NM_001407664.1, NM_001407665.1 and 19 more transcripts); c.2229A>C, p.Leu743Phe (NM_001407649.1, NM_001407670.1, NM_001407671.1 and 11 more transcripts); c.2277A>C, p.Leu759Phe (NM_001407653.1, NM_001407654.1, NM_001407655.1 and 4 more transcripts); c.2274A>C, p.Leu758Phe (NM_001407659.1, NM_001407660.1, NM_001407661.1 and 1 more transcripts); and 41 more; short protein forms L785F, L738F, L657F, L658F, L715F, L717F, L737F, L743F.
Identifiers: ClinVar variation 629066 (VCV000629066.26), dbSNP rs1567795966, ClinGen allele CA10597299.
Genomic context (GRCh38, chr17:43,093,176, plus strand): 5'-ACACTGACTCACACATTTATTTGGTTCTGTTTTTGCCTTCCCTAGAGTGCTAACTTCCAG[T>G]AACGAGATACTTTCCTGAGTGCCATAATCAGTACCAGGTACCAATGAAATACTGCTACTC-3'
Protein context (NP_009225.1, residues 775-795): TDYGTQESIS[Leu785Phe]LEVSTLGKAK